The following is an entry in ClinVar:

NM_176787.5(PIGN):c.2620-2A>G

Gene: PIGN (phosphatidylinositol glycan anchor biosynthesis class N; minus strand). Cytogenetic location: 18q21.33.
Variant type: single nucleotide variant.
Coding change: c.2620-2A>G on transcript NM_176787.5 (MANE Select); the canonical splice acceptor site of the intron before coding-DNA position 2620, A replaced by G.
Molecular consequence: splice acceptor variant.
Genome position (GRCh38, 1-based): chr18:62,072,727, T>C on the plus strand (A>G on the coding strand, the complement: PIGN is on the minus strand). VCF-style: chr18-62072727-T-C. GRCh37 (hg19) VCF-style: chr18-59739960-T-C.
Other names: c.2620-2A>G (NM_012327.6).
Identifiers: ClinVar variation 1465986 (VCV001465986.8), dbSNP rs1568143319, ClinGen allele CA402723536.

ClinVar aggregate classification (germline): Likely pathogenic (1 of 4 stars; one submission).

Conditions:
Multiple congenital anomalies-hypotonia-seizures syndrome 1 (MCAHS1). Also called: GLYCOSYLPHOSPHATIDYLINOSITOL BIOSYNTHESIS DEFECT 3; PIGN-CDG; Congenital disorder of glycosylation due to PIGN deficiency. Identifiers: Orphanet 280633, MedGen C3279775, MONDO:0013563, OMIM 614080.

gnomAD v4.1: 1 of 1,534,718 alleles (0.000065%); no homozygotes.

Submission:

Labcorp Genetics (formerly Invitae), Labcorp
Classification: Likely pathogenic for Multiple congenital anomalies-hypotonia-seizures syndrome 1. Last evaluated: 2021-08-26. Review status: criteria provided, single submitter. Criteria: Invitae Variant Classification Sherloc (09022015). Collection method: clinical testing. Allele origin: germline.
Comment: This variant has not been reported in the literature in individuals with PIGN-related conditions. This variant is not present in population databases (ExAC no frequency). This sequence change affects an acceptor splice site in intron 29 of the PIGN gene. It is expected to disrupt RNA splicing. Variants that disrupt the donor or acceptor splice site typically lead to a loss of protein function (PMID: 16199547), and loss-of-function variants in PIGN are known to be pathogenic (PMID: 24253414, 27038415). In summary, the currently available evidence indicates that the variant is pathogenic, but additional data are needed to prove that conclusively. Therefore, this variant has been classified as Likely Pathogenic.

Literature cited by the submitters: PubMed 16199547; PubMed 24253414; PubMed 27038415.